The following is an entry in ClinVar:

NM_001378454.1(ALMS1):c.11677G>T (p.Glu3893Ter)

Gene: ALMS1 (ALMS1 centrosome and basal body associated protein; plus strand). Cytogenetic location: 2p13.1.
Variant type: single nucleotide variant.
Coding change: c.11677G>T on transcript NM_001378454.1 (MANE Select); coding-DNA position 11677, G replaced by T.
Protein change: p.Glu3893Ter; replaces glutamic acid 3893 with a stop codon.
Molecular consequence: nonsense.
Genome position (GRCh38, 1-based): chr2:73,600,686, G>T. VCF-style: chr2-73600686-G-T. GRCh37 (hg19) VCF-style: chr2-73827813-G-T.
Other names: c.11680G>T, p.Glu3894Ter (NM_015120.4); short protein forms E3893*, E3894*.
Identifiers: ClinVar variation 4815760 (VCV004815760.1).
Genomic context (GRCh38, chr2:73,600,686, plus strand): 5'-TCAACTCAGCCTCAAGGTTACTCCCAGAGACACCTATGATCCTTCCCCTCAGGTAACTTG[G>T]AGATTGTGAACGGTGCCAAAAAACACACTCGAGATGTTGGGATAACTTTCCCAACTCCAA-3'

ClinVar aggregate classification (germline): Likely pathogenic (1 of 4 stars; one submission).

Conditions:
Alstrom syndrome (ALMS). Identifiers: Orphanet 64, MedGen C0268425, MONDO:0008763, OMIM 203800.

Submission:

Natera, Inc.
Classification: Likely pathogenic for Alstrom syndrome. Last evaluated: 2025-11-19. Review status: criteria provided, single submitter. Criteria: Natera Variant Classification Schema (03/2026). Collection method: clinical testing. Allele origin: germline.
Comment: The c.11680G>T variant in ALMS1 is a nonsense variant predicted to introduce a stop codon at amino acid 3894. This variant is expected to result in nonsense mediated decay, truncation, or a dysfunctional protein product. This variant is rare in the general population with a frequency below the threshold expected for the associated phenotype(s). Given the available evidence, this variant is classified as Likely Pathogenic.